The following is an entry in ClinVar:

NM_133642.5(LARGE1):c.1420G>T (p.Val474Phe)

Gene: LARGE1 (LARGE xylosyl- and glucuronyltransferase 1; minus strand). Cytogenetic location: 22q12.3.
Variant type: single nucleotide variant.
Coding change: c.1420G>T on transcript NM_133642.5 (MANE Select); coding-DNA position 1420, G replaced by T.
Protein change: p.Val474Phe; replaces valine 474 with phenylalanine.
Molecular consequence: missense variant.
Genome position (GRCh38, 1-based): chr22:33,316,116, C>A on the plus strand (G>T on the coding strand, the complement: LARGE1 is on the minus strand). VCF-style: chr22-33316116-C-A. GRCh37 (hg19) VCF-style: chr22-33712102-C-A.
Other names: c.1420G>T, p.Val474Phe (NM_001362949.2, NM_001362951.2, NM_001362953.2 and 6 more transcripts); c.1264G>T, p.Val422Phe (NM_001378629.1); c.817G>T, p.Val273Phe (NM_001378630.1); c.661G>T, p.Val221Phe (NM_001378631.1); short protein forms V474F, V221F, V273F, V422F.
Identifiers: ClinVar variation 572156 (VCV000572156.9), dbSNP rs150861748, ClinGen allele CA411540854.
Genomic context (GRCh38, chr22:33,316,116, plus strand): 5'-ACTGGGGTGGGTGAGGCCGTCTGCCATACCTGTCCATGGACAGCTGAGCGACCAGGGTGA[C>A]GTCCGTGCTGTCTGCTGCAGGCTCATACTCGTAGTGCAGGAAGTACAGGTGGGTGCGGTG-3'
Protein context (NP_598397.1, residues 464-484): EYEPAADSTD[Val474Phe]TLVAQLSMDR

ClinVar aggregate classification (germline): Uncertain significance (1 of 4 stars; one submission).

Conditions:
Muscular dystrophy-dystroglycanopathy type B6 (MDDGB6). Also called: MUSCULAR DYSTROPHY-DYSTROGLYCANOPATHY (CONGENITAL WITH IMPAIRED INTELLECTUAL DEVELOPMENT), TYPE B, 6; MUSCULAR DYSTROPHY, CONGENITAL, LARGE-RELATED; MUSCULAR DYSTROPHY, CONGENITAL, TYPE 1D. Identifiers: MedGen C1837229, MONDO:0012138, OMIM 608840.

gnomAD v4.1: 1 of 1,613,970 alleles (0.000062%); highest among the groups gnomAD compares: South Asian, 0.0011%; no homozygotes.

Submission:

Labcorp Genetics (formerly Invitae), Labcorp
Classification: Uncertain significance for Muscular dystrophy-dystroglycanopathy type B6. Last evaluated: 2018-05-14. Review status: criteria provided, single submitter. Criteria: Invitae Variant Classification Sherloc (09022015). Collection method: clinical testing. Allele origin: germline.
Comment: This variant is not present in population databases (ExAC no frequency). This sequence change replaces valine with phenylalanine at codon 474 of the LARGE1 protein (p.Val474Phe). The valine residue is highly conserved and there is a small physicochemical difference between valine and phenylalanine. In summary, the available evidence is currently insufficient to determine the role of this variant in disease. Therefore, it has been classified as a Variant of Uncertain Significance. Algorithms developed to predict the effect of missense changes on protein structure and function do not agree on the potential impact of this missense change (SIFT: "Deleterious"; PolyPhen-2: "Probably Damaging"; Align-GVGD: "Class C0"). This variant has not been reported in the literature in individuals with LARGE1-related disease.